The following is an entry in ClinVar:

ClinVar aggregate classification (germline): not provided (0 of 4 stars; one submission).

Conditions:
Small for gestational age. Also called: Low birth weight. Identifiers: MedGen C0235991, HP:0001518.

Submission:

Institute of Molecular and Cell Biology, University of Tartu
No classification provided. Condition: Small for gestational age. Review status: no classification provided. Collection method: case-control. Allele origin: unknown. Affected: yes. Study: Kasak2014.
Comment: The study aimed to determine the contribution of copy number variants in the genetic etiology of normal and complicated pregnancies. The samples represented (i) maternal blood DNA drawn from healthy pregnant women during 1st or 2nd trimester and (ii) maternal and paternal blood DNA drawn at term pregnancy cases representing normal and complicated gestations (severe preeclampsia, PE; gestational diabetes, GD; small-for-gestational age newborn, SGA; large-for-gestational age newborn, LGA). We performed CNV calling based on genome-wide genotyping dataset (Illumina HumanOmniExpress-24-v1 BeadChip) by applying three algorithms, QuantiSNP, GADA (Genome Alteration Detection Algorithm) and CNstream in parallel. The acquired CNV calls were merged with HD-CNV (Hotspot Detector for Copy Number Variants) program and only the CNVs predicted by at least two programs, were considered in subsequent analysis.

Literature cited by the submitters: PubMed 25666259.

Single allele

Gene: LOC122756690 (Sharpr-MPRA regulatory region 1155; plus strand). Cytogenetic location: 2p22.3.
Variant type: Deletion.
Identifiers: ClinVar variation 156782 (VCV000156782.2).